The following is an entry in ClinVar:

ClinVar aggregate classification (germline): Likely benign (1 of 4 stars; one submission).

Conditions:
SEMA3E-related disorder. Also called: SEMA3E-related condition.

Submission:

PreventionGenetics, part of Exact Sciences
Classification: Likely benign for SEMA3E-related condition. Last evaluated: 2025-06-16. Review status: criteria provided, single submitter. Criteria: ACMG Guidelines, 2015. Collection method: clinical testing. Allele origin: germline.
Comment: This variant is classified as likely benign based on ACMG/AMP sequence variant interpretation guidelines (Richards et al. 2015 PMID: 25741868, with internal and published modifications).

NM_012431.3(SEMA3E):c.1380G>A (p.Val460=)

Gene: SEMA3E (semaphorin 3E; minus strand). Cytogenetic location: 7q21.11.
Variant type: single nucleotide variant.
Coding change: c.1380G>A on transcript NM_012431.3 (MANE Select); coding-DNA position 1380, G replaced by A.
Protein change: p.Val460=; no amino-acid change (valine 460 retained).
Molecular consequence: synonymous variant.
Genome position (GRCh38, 1-based): chr7:83,396,716, C>T on the plus strand (G>A on the coding strand, the complement: SEMA3E is on the minus strand). VCF-style: chr7-83396716-C-T. GRCh37 (hg19) VCF-style: chr7-83026032-C-T.
Other names: c.1200G>A, p.Val400= (NM_001178129.2).
Identifiers: ClinVar variation 4999813 (VCV004999813.1).
Genomic context (GRCh38, chr7:83,396,716, plus strand): 5'-TTCTAGAATTACTTCTTCCATTGATTCCATTTCTTGGTTGTAAATTGTGATTACTTTCAG[C>T]ACAATTCCATTATCTGTAAGAAAACAAAACAAGAAATAAACTAGAATCTATGTCACAGTA-3'
Protein context (NP_036563.1, residues 450-470): VLFIGTDNGI[Val460=]LKVITIYNQE